The following is an entry in ClinVar:

ClinVar aggregate classification (germline): Likely benign. Review status: criteria provided, multiple submitters, no conflicts (2 of 4 stars). 3 submissions from 3 submitters: Likely benign (3). Last evaluated 2024-01-29.

Conditions:
Hyper-IgE recurrent infection syndrome 1, autosomal dominant. Also called: Job's Syndrome; JOB SYNDROME; Hyper-IgE recurrent infection syndrome 1; STAT3 Hyper IgE Syndrome; HYPER-IgE SYNDROME 1, AUTOSOMAL DOMINANT, WITH RECURRENT INFECTIONS. Identifiers: Orphanet 2314, MedGen C2936739, MONDO:0007818, OMIM 147060.
STAT3 gain of function. Identifiers: MedGen C4288261.

Allele frequency attached by ClinVar (database versions not stated): gnomAD exomes 0.00003; ExAC 0.00004; TOPMed 0.00007; gnomAD 0.00009 and 0.00010; ESP Exome Variant Server 0.00015.
gnomAD v4.1: 20 of 1,613,782 alleles (0.0012%); highest among the groups gnomAD compares: African/African-American, 0.019%; no homozygotes.

Submissions (3):

Labcorp Genetics (formerly Invitae), Labcorp
Classification: Likely benign for STAT3 gain of function; Hyper-IgE recurrent infection syndrome 1, autosomal dominant. Last evaluated: 2024-01-29. Review status: criteria provided, single submitter. Criteria: Invitae Variant Classification Sherloc (09022015). Collection method: clinical testing. Allele origin: germline.

Blueprint Genetics
Classification: Likely benign. Last evaluated: 2019-09-04. Review status: criteria provided, single submitter. Criteria: ACMG Guidelines, 2015. Collection method: clinical testing. Allele origin: germline.

GeneDx
Classification: Likely benign. Last evaluated: 2016-01-26. Review status: criteria provided, single submitter. Criteria: GeneDx Variant Classification (06012015). Collection method: clinical testing. Allele origin: germline. Affected: yes.
Comment: This variant is considered likely benign or benign based on one or more of the following criteria: it is a conservative change, it occurs at a poorly conserved position in the protein, it is predicted to be benign by multiple in silico algorithms, and/or has population frequency not consistent with disease.

NM_139276.3(STAT3):c.373-4G>C

Gene: STAT3 (signal transducer and activator of transcription 3; minus strand). Cytogenetic location: 17q21.2.
Variant type: single nucleotide variant.
Coding change: c.373-4G>C on transcript NM_139276.3 (MANE Select); 4 bases into the intron before coding-DNA position 373, G replaced by C.
Molecular consequence: intron variant.
Genome position (GRCh38, 1-based): chr17:42,339,413, C>G on the plus strand (G>C on the coding strand, the complement: STAT3 is on the minus strand). VCF-style: chr17-42339413-C-G. GRCh37 (hg19) VCF-style: chr17-40491431-C-G.
Other names: c.373-601G>C (NM_001384989.1); c.373-4G>C (NM_001384992.1, NM_001384984.1, NM_001369519.1 and 15 more transcripts); c.295-4G>C (NM_001384985.1).
Identifiers: ClinVar variation 382347 (VCV000382347.11), dbSNP rs376611360, ClinGen allele CA8575647.